The following is an entry in ClinVar:

ClinVar aggregate classification (germline): Uncertain significance. Review status: criteria provided, multiple submitters, no conflicts (2 of 4 stars). 2 submissions from 2 submitters: Uncertain significance (2). Last evaluated 2026-01-01.

Conditions:
Inborn genetic diseases. Identifiers: MedGen C0950123, MeSH D030342.
Episodic ataxia type 2 (EA2). Also called: ACETAZOLAMIDE-RESPONSIVE HEREDITARY PAROXYSMAL CEREBELLAR ATAXIA; ATAXIA, EPISODIC, WITH NYSTAGMUS; ATAXIA, FAMILIAL PAROXYSMAL; CEREBELLAR ATAXIA, PAROXYSMAL, ACETAZOLAMIDE-RESPONSIVE; CEREBELLOPATHY, HEREDITARY PAROXYSMAL; EPISODIC ATAXIA, NYSTAGMUS-ASSOCIATED. Identifiers: Orphanet 97, MedGen C1720416, MONDO:0007163, OMIM 108500.
Developmental and epileptic encephalopathy, 42 (DEE42A). Also called: DEVELOPMENTAL AND EPILEPTIC ENCEPHALOPATHY 42A; EPILEPTIC ENCEPHALOPATHY, EARLY INFANTILE, 42A; Epileptic encephalopathy, early infantile, 42. Identifiers: MedGen C4310716, MONDO:0014917, OMIM 617106.

Allele frequency attached by ClinVar (database versions not stated): TOPMed below 0.00001; gnomAD 0.00001.

Submissions (2):

Labcorp Genetics (formerly Invitae), Labcorp
Classification: Uncertain significance for Developmental and epileptic encephalopathy, 42; Episodic ataxia type 2. Last evaluated: 2026-01-01. Review status: criteria provided, single submitter. Criteria: Invitae Variant Classification Sherloc (09022015). Collection method: clinical testing. Allele origin: germline.
Comment: This sequence change replaces proline, which is neutral and non-polar, with serine, which is neutral and polar, at codon 436 of the CACNA1A protein (p.Pro436Ser). This variant is not present in population databases (gnomAD no frequency). This variant has not been reported in the literature in individuals affected with CACNA1A-related conditions. ClinVar contains an entry for this variant (Variation ID: 855060). Invitae Evidence Modeling of protein sequence and biophysical properties (such as structural, functional, and spatial information, amino acid conservation, physicochemical variation, residue mobility, and thermodynamic stability) indicates that this missense variant is not expected to disrupt CACNA1A protein function with a negative predictive value of 95%. In summary, the available evidence is currently insufficient to determine the role of this variant in disease. Therefore, it has been classified as a Variant of Uncertain Significance.

Ambry Genetics
Classification: Uncertain significance for Inborn genetic diseases. Last evaluated: 2024-09-11. Review status: criteria provided, single submitter. Criteria: Ambry Variant Classification Scheme 2023. Collection method: clinical testing. Allele origin: germline.

NM_001127222.2(CACNA1A):c.1303C>T (p.Pro435Ser)

Gene: CACNA1A (calcium voltage-gated channel subunit alpha1 A; minus strand). Cytogenetic location: 19p13.13.
Variant type: single nucleotide variant.
Coding change: c.1303C>T on transcript NM_001127222.2 (MANE Select); coding-DNA position 1303, C replaced by T.
Protein change: p.Pro435Ser; replaces proline 435 with serine.
Molecular consequence: missense variant.
Genome position (GRCh38, 1-based): chr19:13,330,286, G>A on the plus strand (C>T on the coding strand, the complement: CACNA1A is on the minus strand). VCF-style: chr19-13330286-G-A. GRCh37 (hg19) VCF-style: chr19-13441100-G-A.
Other names: c.1306C>T, p.Pro436Ser (NM_000068.4, NM_001127221.2, NM_001174080.2 and 1 more transcripts); short protein forms P435S, P436S.
Identifiers: ClinVar variation 855060 (VCV000855060.11), dbSNP rs1426869372, ClinGen allele CA404346120.